The following is an entry in ClinVar:

NM_000548.5(TSC2):c.345T>C (p.Arg115=)

Gene: TSC2 (TSC complex subunit 2; plus strand). Cytogenetic location: 16p13.3.
Variant type: single nucleotide variant.
Coding change: c.345T>C on transcript NM_000548.5 (MANE Select); coding-DNA position 345, T replaced by C.
Protein change: p.Arg115=; no amino-acid change (arginine 115 retained).
Molecular consequence: synonymous variant. On other transcripts: 5 prime UTR variant (14), non-coding transcript variant (5), intron variant (6).
Genome position (GRCh38, 1-based): chr16:2,054,304, T>C. VCF-style: chr16-2054304-T-C. GRCh37 (hg19) VCF-style: chr16-2104305-T-C.
Other names: c.345T>C, p.Arg115= (NM_001077183.3, NM_001114382.3, NM_001363528.2 and 8 more transcripts); c.234T>C, p.Arg78= (NM_001318827.2, NM_001406670.1, NM_001406678.1); c.198T>C, p.Arg66= (NM_001318829.2, NM_001406675.1, NM_001406676.1 and 1 more transcripts); c.378T>C, p.Arg126= (NM_001318832.2); c.435T>C, p.Arg145= (NM_001406667.1, NM_001406668.1); c.288T>C, p.Arg96= (NM_001406677.1); c.-472T>C (NM_001406680.1, NM_001406683.1, NM_001406687.1); c.-101T>C (NM_001406681.1); and 6 more.
Identifiers: ClinVar variation 4071197 (VCV004071197.1).

ClinVar aggregate classification (germline): Benign (1 of 4 stars; one submission).

Conditions:
Tuberous sclerosis 2 (TSC2). Identifiers: Orphanet 805, MedGen C1860707, MONDO:0013199, OMIM 613254.

Submission:

Myriad Genetics, Inc.
Classification: Benign for Tuberous sclerosis 2. Last evaluated: 2025-05-02. Review status: criteria provided, single submitter. Criteria: Myriad Autosomal Dominant, Autosomal Recessive and X-Linked Classification Criteria (2023). Collection method: clinical testing. Allele origin: unknown.
Comment: This variant is considered benign. This variant is a silent/synonymous amino acid change and it is not expected to impact splicing.